The following is an entry in ClinVar:

NM_000628.5(IL10RB):c.650C>T (p.Thr217Met)

Genes: IL10RB (interleukin 10 receptor subunit beta; plus strand), IFNAR2-IL10RB (IFNAR2-IL10RB readthrough; plus strand). Cytogenetic location: 21q22.11.
Variant type: single nucleotide variant.
Coding change: c.650C>T on transcript NM_000628.5 (MANE Select); coding-DNA position 650, C replaced by T.
Protein change: p.Thr217Met; replaces threonine 217 with methionine.
Molecular consequence: missense variant.
Genome position (GRCh38, 1-based): chr21:33,288,107, C>T. VCF-style: chr21-33288107-C-T. GRCh37 (hg19) VCF-style: chr21-34660412-C-T.
Other names: c.650C>T (NM_000628.3); short protein forms T217M.
Identifiers: ClinVar variation 661791 (VCV000661791.7), dbSNP rs746250523, ClinGen allele CA10006209.

ClinVar aggregate classification (germline): Uncertain significance. Review status: criteria provided, multiple submitters, no conflicts (2 of 4 stars). 2 submissions from 2 submitters: Uncertain significance (2). Last evaluated 2025-04-18.

Conditions:
Inflammatory bowel disease 25. Also called: Inflammatory bowel disease 25, early onset, autosomal recessive. Identifiers: Orphanet 238569, MedGen C2675508, MONDO:0012941, OMIM 612567.
Inborn genetic diseases. Identifiers: MedGen C0950123, MeSH D030342.

Allele frequency attached by ClinVar (database versions not stated): gnomAD exomes below 0.00001 and 0.00001; ExAC 0.00001; gnomAD 0.00001; TOPMed 0.00001.
gnomAD v4.1: 15 of 1,613,920 alleles (0.00093%); highest among the groups gnomAD compares: South Asian, 0.0033%; no homozygotes.

Submissions (2):

Ambry Genetics
Classification: Uncertain significance for Inborn genetic diseases. Last evaluated: 2025-04-18. Review status: criteria provided, single submitter. Criteria: Ambry Variant Classification Scheme 2023. Collection method: clinical testing. Allele origin: germline.

Labcorp Genetics (formerly Invitae), Labcorp
Classification: Uncertain significance for Inflammatory bowel disease 25. Last evaluated: 2021-08-30. Review status: criteria provided, single submitter. Criteria: Invitae Variant Classification Sherloc (09022015). Collection method: clinical testing. Allele origin: germline.
Comment: This sequence change replaces threonine with methionine at codon 217 of the IL10RB protein (p.Thr217Met). The threonine residue is moderately conserved and there is a moderate physicochemical difference between threonine and methionine. This variant is present in population databases (rs746250523, ExAC 0.001%). This variant has not been reported in the literature in individuals affected with IL10RB-related conditions. Algorithms developed to predict the effect of missense changes on protein structure and function (SIFT, PolyPhen-2, Align-GVGD) all suggest that this variant is likely to be tolerated. In summary, the available evidence is currently insufficient to determine the role of this variant in disease. Therefore, it has been classified as a Variant of Uncertain Significance.